The following is an entry in ClinVar:

NM_000135.4(FANCA):c.168_173del (p.Leu57_Asn58del)

Gene: FANCA (FA complementation group A; minus strand). Cytogenetic location: 16q24.3.
Variant type: Deletion.
Coding change: c.168_173del on transcript NM_000135.4 (MANE Select); coding-DNA positions 168 to 173, 6 bases deleted (CCTGAA; older notation c.168_173delCCTGAA).
Protein change: p.Leu57_Asn58del.
Molecular consequence: inframe deletion.
Genome position (GRCh38, 1-based): chr16:89,815,893-89,815,898, TTCAGG deleted on the plus strand (CCTGAA on the coding strand, the reverse complement: FANCA is on the minus strand); deleting any 6 consecutive bases within chr16:89,815,893-89,815,899 gives the same sequence; the c. name uses the placement nearest the transcript's 3' end. VCF-style (leftmost placement, unchanged base first): chr16-89815892-ATTCAGG-A. GRCh37 (hg19) VCF-style: chr16-89882300-ATTCAGG-A.
Other names: c.168_173del (LRG_495t1, NM_000135.3); c.168_173del, p.Leu57_Asn58del (NM_001018112.3, NM_001286167.3, NM_001351830.2); c.168_173del6 (NM_000135.2).
Identifiers: ClinVar variation 408192 (VCV000408192.8), dbSNP rs1060501881, ClinGen allele CA16615051.
Genomic context (GRCh38, chr16:89,815,892, plus strand): 5'-CCCGAACCTAAATCTGCCCGCAGACGGACACCAGCTTCCTCTTACCTCAAGCAAAAGGGC[ATTCAGG>A]TCCTGATGGCTTCGCAGGAGGCGCACAGCTGATTCCTTTAATTTCTGTGCCCTTTCAGGA-3'

ClinVar aggregate classification (germline): Uncertain significance. Review status: criteria provided, multiple submitters, no conflicts (2 of 4 stars). 5 submissions from 5 submitters: Uncertain significance (3). 2 of the submissions do not count toward it. Last evaluated 2022-12-08.

Conditions:
Fanconi anemia (FA). Also called: Fanconi's anemia. Identifiers: Orphanet 84, MedGen C0015625, MeSH D005199, MONDO:0019391.
Fanconi anemia complementation group A (FANCA). Also called: FANCA-Related Fanconi Anemia; Fanconi anemia, group A. Identifiers: Orphanet 84, MedGen C3469521, MONDO:0009215, OMIM 227650.

Submissions (5):

Quest Diagnostics Nichols Institute San Juan Capistrano
Classification: Uncertain significance. Last evaluated: 2022-12-08. Review status: criteria provided, single submitter. Criteria: Quest Diagnostics criteria. Collection method: clinical testing. Allele origin: unknown.
Comment: The variant has not been reported in the published literature. It also has not been reported in large, multi-ethnic general populations. Based on the available information, we are unable to determine the clinical significance of this variant.

Labcorp Genetics (formerly Invitae), Labcorp
Classification: Uncertain significance for Fanconi anemia. Last evaluated: 2022-03-23. Review status: criteria provided, single submitter. Criteria: Invitae Variant Classification Sherloc (09022015). Collection method: clinical testing. Allele origin: germline.
Comment: This variant, c.168_173del, results in the deletion of 2 amino acid(s) of the FANCA protein (p.Leu57_Asn58del), but otherwise preserves the integrity of the reading frame. This variant is not present in population databases (gnomAD no frequency). This variant has not been reported in the literature in individuals affected with FANCA-related conditions. ClinVar contains an entry for this variant (Variation ID: 408192). Experimental studies and prediction algorithms are not available or were not evaluated, and the functional significance of this variant is currently unknown. In summary, the available evidence is currently insufficient to determine the role of this variant in disease. Therefore, it has been classified as a Variant of Uncertain Significance.

Fulgent Genetics
Classification: Uncertain significance for Fanconi anemia complementation group A. Last evaluated: 2021-10-13. Review status: criteria provided, single submitter. Criteria: ACMG Guidelines, 2015. Collection method: clinical testing. Allele origin: unknown.

Natera, Inc.
Classification: Uncertain significance for Fanconi anemia. Last evaluated: 2021-04-27. Review status: no assertion criteria provided. Collection method: clinical testing. Allele origin: germline. Not counted in ClinVar's aggregate classification.

Counsyl
Classification: Uncertain significance for Fanconi anemia complementation group A. Last evaluated: 2018-01-03. Review status: no assertion criteria provided. Collection method: clinical testing. Allele origin: unknown. Not counted in ClinVar's aggregate classification.